The following is an entry in ClinVar:

NM_001393392.1(AKR1C2):c.158_159del (p.His53fs)

Gene: AKR1C2 (aldo-keto reductase family 1 member C2; minus strand). Cytogenetic location: 10p15.1.
Variant type: Deletion.
Coding change: c.158_159del on transcript NM_001393392.1 (MANE Select); coding-DNA positions 158 to 159, 2 bases deleted (AT; older notation c.158_159delAT).
Protein change: p.His53fs; shifts the reading frame from histidine 53.
Molecular consequence: frameshift variant.
Genome position (GRCh38, 1-based): chr10:5,001,607-5,001,608, AT deleted on the plus strand (AT on the coding strand, the reverse complement: AKR1C2 is on the minus strand). VCF-style (leftmost placement, unchanged base first): chr10-5001606-CAT-C. GRCh37 (hg19) VCF-style: chr10-5043798-CAT-C.
Other names: c.158_159del, p.His53fs (NM_001135241.3, NM_001321027.2, NM_001354.6 and 1 more transcripts); c.158_159del (NM_205845.2); c.158_159delAT (NM_001354.4); short protein forms H53fs.
Identifiers: ClinVar variation 3065936 (VCV003065936.2), dbSNP rs782217424, ClinGen allele CA5390231.

ClinVar aggregate classification (germline): Uncertain significance. Review status: criteria provided, multiple submitters, no conflicts (2 of 4 stars). 2 submissions from 2 submitters: Uncertain significance (2). Last evaluated 2024-04-05.

Conditions:
46,XY disorder of sex development due to testicular 17,20-desmolase deficiency. Also called: 46,XY SEX REVERSAL 8; MALE PSEUDOHERMAPHRODITISM DUE TO DEFICIENCY OF TESTICULAR 17,20-DESMOLASE; 46,XY SEX REVERSAL 8, MODIFIER OF. Identifiers: Orphanet 443087, MedGen C1839840, MONDO:0013664, OMIM 614279.

Allele frequency attached by ClinVar (database versions not stated): TOPMed 0.00027 and 0.00031; gnomAD 0.00031 and 0.00032; ESP Exome Variant Server 0.00040; ExAC 0.00043; gnomAD exomes 0.00048.

Submissions (2):

Ambry Genetics
Classification: Uncertain significance. Last evaluated: 2024-04-05. Review status: criteria provided, single submitter. Criteria: Ambry Variant Classification Scheme 2023. Collection method: clinical testing. Allele origin: germline.
Comment: Does not currently meet published gene-disease clinical validity criteria Based on insufficient or conflicting evidence, the clinical significance of this alteration remains unclear.

Genomic Medicine Center of Excellence, King Faisal Specialist Hospital and Research Centre
Classification: Uncertain significance for 46,XY disorder of sex development due to testicular 17,20-desmolase deficiency. Last evaluated: 2024-03-29. Review status: criteria provided, single submitter. Criteria: ACMG Guidelines, 2015. Collection method: clinical testing. Allele origin: germline.

Literature cited by the submitters: PubMed 28106320 (cited by Ambry Genetics).